The following is an entry in ClinVar:

ClinVar aggregate classification (germline): Uncertain significance. Review status: criteria provided, multiple submitters, no conflicts (2 of 4 stars). 4 submissions from 4 submitters: Uncertain significance (4). Last evaluated 2024-05-23.

Conditions:
Hereditary cancer-predisposing syndrome. Also called: Neoplastic Syndromes, Hereditary; Hereditary Cancer Syndrome; Tumor predisposition; Hereditary neoplastic syndrome. Identifiers: Orphanet 140162, MedGen C0027672, MeSH D009386, MONDO:0015356.
Familial adenomatous polyposis 1 (FAP1). Also called: POLYPOSIS, ADENOMATOUS INTESTINAL; FAMILIAL ADENOMATOUS POLYPOSIS 1, ATTENUATED. Identifiers: MedGen C2713442, MONDO:0021056, OMIM 175100. Disease mechanism: loss of function.

Submissions (4):

Labcorp Genetics (formerly Invitae), Labcorp
Classification: Uncertain significance for Familial adenomatous polyposis 1. Last evaluated: 2024-05-23. Review status: criteria provided, single submitter. Criteria: Invitae Variant Classification Sherloc (09022015). Collection method: clinical testing. Allele origin: germline.
Comment: This sequence change replaces valine, which is neutral and non-polar, with leucine, which is neutral and non-polar, at codon 1605 of the APC protein (p.Val1605Leu). This variant is not present in population databases (gnomAD no frequency). This variant has not been reported in the literature in individuals affected with APC-related conditions. ClinVar contains an entry for this variant (Variation ID: 854134). Advanced modeling of protein sequence and biophysical properties (such as structural, functional, and spatial information, amino acid conservation, physicochemical variation, residue mobility, and thermodynamic stability) performed at Invitae indicates that this missense variant is not expected to disrupt APC protein function with a negative predictive value of 95%. In summary, the available evidence is currently insufficient to determine the role of this variant in disease. Therefore, it has been classified as a Variant of Uncertain Significance.

Ambry Genetics
Classification: Uncertain significance for Hereditary cancer-predisposing syndrome. Last evaluated: 2024-03-25. Review status: criteria provided, single submitter. Criteria: Ambry Variant Classification Scheme 2023. Collection method: clinical testing. Allele origin: germline.
Comment: The p.V1605L variant (also known as c.4813G>C), located in coding exon 15 of the APC gene, results from a G to C substitution at nucleotide position 4813. The valine at codon 1605 is replaced by leucine, an amino acid with highly similar properties. This amino acid position is conserved. In addition, in silico predictors for this gene do not accurately predict pathogenicity. Based on the available evidence, the clinical significance of this alteration remains unclear.

Baylor Genetics
Classification: Uncertain significance for Familial adenomatous polyposis 1. Last evaluated: 2023-12-23. Review status: criteria provided, single submitter. Criteria: ACMG Guidelines, 2015. Collection method: clinical testing. Allele origin: unknown.

Women's Health and Genetics/Laboratory Corporation of America, LabCorp
Classification: Uncertain significance. Last evaluated: 2021-11-06. Review status: criteria provided, single submitter. Criteria: LabCorp Variant Classification Summary - May 2015. Collection method: clinical testing. Allele origin: germline.

NM_000038.6(APC):c.4813G>C (p.Val1605Leu)

Gene: APC (APC regulator of Wnt signaling pathway; plus strand). Cytogenetic location: 5q22.2.
Variant type: single nucleotide variant.
Coding change: c.4813G>C on transcript NM_000038.6 (MANE Select); coding-DNA position 4813, G replaced by C.
Protein change: p.Val1605Leu; replaces valine 1605 with leucine.
Molecular consequence: missense variant.
Genome position (GRCh38, 1-based): chr5:112,840,407, G>C. VCF-style: chr5-112840407-G-C. GRCh37 (hg19) VCF-style: chr5-112176104-G-C.
Other names: c.4813G>C, p.Val1605Leu (NM_001127510.3, NM_001354895.2); c.4759G>C, p.Val1587Leu (NM_001127511.3); c.4867G>C, p.Val1623Leu (NM_001354896.2); c.4843G>C, p.Val1615Leu (NM_001354897.2); c.4738G>C, p.Val1580Leu (NM_001354898.2); c.4729G>C, p.Val1577Leu (NM_001354899.2); c.4690G>C, p.Val1564Leu (NM_001354900.2); c.4636G>C, p.Val1546Leu (NM_001354901.2); and 5 more; short protein forms V1479L, V1504L, V1564L, V1615L, V1514L, V1577L, V1580L, V1587L.
Identifiers: ClinVar variation 854134 (VCV000854134.14), dbSNP rs1554086219, ClinGen allele CA16031877.